The following is an entry in ClinVar:

ClinVar aggregate classification (germline): Pathogenic (1 of 4 stars; one submission).

Allele frequency attached by ClinVar (database versions not stated): gnomAD exomes below 0.00001.
gnomAD v4.1: 1 of 1,610,786 alleles (0.000062%); no homozygotes.

Submission:

GeneDx
Classification: Pathogenic. Last evaluated: 2024-10-29. Review status: criteria provided, single submitter. Criteria: GeneDx Variant Classification Process June 2021. Collection method: clinical testing. Allele origin: germline. Affected: yes.
Comment: In silico analysis supports that this missense variant has a deleterious effect on protein structure/function; Not observed at significant frequency in large population cohorts (gnomAD); This variant is associated with the following publications: (PMID: 31388190, 33057194, 35982159)

NM_001273.5(CHD4):c.2659C>T (p.Arg887Trp)

Gene: CHD4 (chromodomain helicase DNA binding protein 4; minus strand). Cytogenetic location: 12p13.31.
Variant type: single nucleotide variant.
Coding change: c.2659C>T on transcript NM_001273.5 (MANE Select); coding-DNA position 2659, C replaced by T.
Protein change: p.Arg887Trp; replaces arginine 887 with tryptophan.
Molecular consequence: missense variant.
Genome position (GRCh38, 1-based): chr12:6,592,811, G>A on the plus strand (C>T on the coding strand, the complement: CHD4 is on the minus strand). VCF-style: chr12-6592811-G-A. GRCh37 (hg19) VCF-style: chr12-6701977-G-A.
Other names: c.2638C>T, p.Arg880Trp (NM_001297553.2); c.2620C>T, p.Arg874Trp (NM_001363606.2); short protein forms R887W, R874W, R880W.
Identifiers: ClinVar variation 422591 (VCV000422591.3), dbSNP rs1064795878, ClinGen allele CA16619584.